The following is an entry in ClinVar:

ClinVar aggregate classification (germline): Uncertain significance (1 of 4 stars; one submission).

Conditions:
Developmental and epileptic encephalopathy, 12 (DEE12). Identifiers: MedGen C3150988, MONDO:0013389, OMIM 613722.

Submission:

Labcorp Genetics (formerly Invitae), Labcorp
Classification: Uncertain significance for Developmental and epileptic encephalopathy, 12. Last evaluated: 2022-10-17. Review status: criteria provided, single submitter. Criteria: Invitae Variant Classification Sherloc (09022015). Collection method: clinical testing. Allele origin: germline.
Comment: This sequence change affects codon 155 of the PLCB1 mRNA. It is a 'silent' change, meaning that it does not change the encoded amino acid sequence of the PLCB1 protein. It affects a nucleotide within the consensus splice site. This variant is not present in population databases (gnomAD no frequency). This variant has not been reported in the literature in individuals affected with PLCB1-related conditions. Algorithms developed to predict the effect of sequence changes on RNA splicing suggest that this variant is not likely to affect RNA splicing. In summary, the available evidence is currently insufficient to determine the role of this variant in disease. Therefore, it has been classified as a Variant of Uncertain Significance.

NM_015192.4(PLCB1):c.465C>T (p.Ala155=)

Gene: PLCB1 (phospholipase C beta 1; plus strand). Cytogenetic location: 20p12.3.
Variant type: single nucleotide variant.
Coding change: c.465C>T on transcript NM_015192.4 (MANE Select); coding-DNA position 465, C replaced by T.
Protein change: p.Ala155=; no amino-acid change (alanine 155 retained).
Molecular consequence: synonymous variant.
Genome position (GRCh38, 1-based): chr20:8,647,900, C>T. VCF-style: chr20-8647900-C-T. GRCh37 (hg19) VCF-style: chr20-8628547-C-T.
Other names: c.465C>T, p.Ala155= (NM_182734.3).
Identifiers: ClinVar variation 2131209 (VCV002131209.4), dbSNP rs2515165771, ClinGen allele CA509714739.